The following is an entry in ClinVar:

NC_000002.12:g.(?_165342276)_(165389844_?)del

Gene: SCN2A (sodium voltage-gated channel alpha subunit 2; plus strand). Cytogenetic location: 2q24.3.
Variant type: Deletion.
Identifiers: ClinVar variation 831895 (VCV000831895.3).

ClinVar aggregate classification (germline): Likely pathogenic (1 of 4 stars; one submission).

Conditions:
Seizures, benign familial infantile, 3 (BFIS3). Also called: Familial neonatal seizures; CONVULSIONS, BENIGN FAMILIAL INFANTILE, 3. Identifiers: Orphanet 140927, Orphanet 306, MedGen C1843140, MONDO:0011904, OMIM 607745.
Developmental and epileptic encephalopathy, 11 (DEE11). Also called: Early infantile epileptic encephalopathy 11. Identifiers: Orphanet 1934, MedGen C3150987, MONDO:0013388, OMIM 613721.

Submission:

Labcorp Genetics (formerly Invitae), Labcorp
Classification: Likely pathogenic for Seizures, benign familial infantile, 3; Developmental and epileptic encephalopathy, 11. Last evaluated: 2019-09-18. Review status: criteria provided, single submitter. Criteria: Invitae Variant Classification Sherloc (09022015). Collection method: clinical testing. Allele origin: germline.
Comment: In summary, the currently available evidence indicates that the variant is pathogenic, but additional data are needed to prove that conclusively. Therefore, this variant has been classified as Likely Pathogenic. This variant disrupts the p.Arg853 amino acid residue in SCN2A. Other variant(s) that disrupt this residue have been determined to be pathogenic (PMID: 25772804, 28379373, 23935176). This suggests that this residue is clinically significant, and that variants that disrupt this residue are likely to be disease-causing. This variant has not been reported in the literature in individuals with SCN2A-related conditions. This variant is a gross deletion of the genomic region encompassing exons 15-27 of the SCN2A gene. The 5' boundary is likely confined to intron 14. The 3' end of this event is unknown as it extends through the termination codon beyond the assayed region for this gene and may encompass additional genes. While this deletion is not anticipated to result in nonsense mediated decay, it is expected to create a truncated protein product or disrupt mRNA translation.

Literature cited by the submitters: PubMed 25772804; PubMed 28379373; PubMed 23935176.